The following is an entry in ClinVar:

NM_000487.6(ARSA):c.946G>A (p.Ala316Thr)

Gene: ARSA (arylsulfatase A; minus strand). Cytogenetic location: 22q13.33.
Variant type: single nucleotide variant.
Coding change: c.946G>A on transcript NM_000487.6 (MANE Select); coding-DNA position 946, G replaced by A.
Protein change: p.Ala316Thr; replaces alanine 316 with threonine.
Molecular consequence: missense variant.
Genome position (GRCh38, 1-based): chr22:50,626,187, C>T on the plus strand (G>A on the coding strand, the complement: ARSA is on the minus strand). VCF-style: chr22-50626187-C-T. GRCh37 (hg19) VCF-style: chr22-51064615-C-T.
Other names: c.946G>A, p.Ala316Thr (NM_001085425.3, NM_001085426.3, NM_001085427.3); c.688G>A, p.Ala230Thr (NM_001085428.3, NM_001362782.2); short protein forms A316T, A230T.
Identifiers: ClinVar variation 68167 (VCV000068167.10), dbSNP rs199476368, ClinGen allele CA219090.

ClinVar aggregate classification (germline): Conflicting classifications of pathogenicity. Review status: criteria provided, conflicting classifications (1 of 4 stars). 5 submissions from 5 submitters: Pathogenic (1); Likely pathogenic (1); Uncertain significance (1). 2 of the submissions do not count toward it. Last evaluated 2025-07-17.

Conditions:
Metachromatic leukodystrophy (MLD). Also called: ARSA DEFICIENCY; CEREBROSIDE SULFATASE DEFICIENCY; METACHROMATIC LEUKOENCEPHALOPATHY; Cerebral sclerosis diffuse metachromatic form; Arylsulfatase A Deficiency; SULFATIDE LIPIDOSIS. Identifiers: Orphanet 512, MedGen C0023522, MONDO:0018868, OMIM 250100.

Allele frequency attached by ClinVar (database versions not stated): gnomAD exomes below 0.00001.
gnomAD v4.1: 3 of 1,609,824 alleles (0.00019%); highest among the groups gnomAD compares: Non-Finnish European, 0.00025%; no homozygotes.

Submissions (5):

Women's Health and Genetics/Laboratory Corporation of America, LabCorp
Classification: Uncertain significance. Last evaluated: 2025-07-17. Review status: criteria provided, single submitter. Criteria: LabCorp Variant Classification Summary - May 2015. Collection method: clinical testing. Allele origin: germline.
Comment: Variant summary: ARSA c.946G>A (p.Ala316Thr) results in a non-conservative amino acid change in the encoded protein sequence. Algorithms developed to predict the effect of missense changes on protein structure and function all suggest that this variant is likely to be disruptive. The variant was absent in 239136 control chromosomes. c.946G>A has been observed in individual(s) affected with Metachromatic Leukodystrophy(Draghia_1997). These data indicate that the variant may be associated with disease. To our knowledge, no experimental evidence demonstrating an impact on protein function has been reported. The following publication has been ascertained in the context of this evaluation (PMID: 9090526) ClinVar contains an entry for this variant (Variation ID: 68167). Based on the evidence outlined above, the variant was classified as VUS-possibly pathogenic.

Fulgent Genetics
Classification: Likely pathogenic for Metachromatic leukodystrophy. Last evaluated: 2024-05-03. Review status: criteria provided, single submitter. Criteria: ACMG Guidelines, 2015. Collection method: clinical testing. Allele origin: germline.

Labcorp Genetics (formerly Invitae), Labcorp
Classification: Pathogenic for Metachromatic leukodystrophy. Last evaluated: 2022-11-13. Review status: criteria provided, single submitter. Criteria: Invitae Variant Classification Sherloc (09022015). Collection method: clinical testing. Allele origin: germline.
Comment: This sequence change replaces alanine, which is neutral and non-polar, with threonine, which is neutral and polar, at codon 316 of the ARSA protein (p.Ala316Thr). This variant is not present in population databases (gnomAD no frequency). This missense change has been observed in individual(s) with metachromatic leukodystrophy (PMID: 9090526). This variant is also known as A314T. ClinVar contains an entry for this variant (Variation ID: 68167). Advanced modeling of protein sequence and biophysical properties (such as structural, functional, and spatial information, amino acid conservation, physicochemical variation, residue mobility, and thermodynamic stability) performed at Invitae indicates that this missense variant is expected to disrupt ARSA protein function. For these reasons, this variant has been classified as Pathogenic.

Counsyl
Classification: Uncertain significance for Metachromatic leukodystrophy. Last evaluated: 2017-02-24. Review status: no assertion criteria provided. Collection method: clinical testing. Allele origin: unknown. Not counted in ClinVar's aggregate classification.

UniProtKB/Swiss-Prot
No classification provided. Review status: no classification provided. Collection method: not provided. Allele origin: not provided. Not counted in ClinVar's aggregate classification.

Literature cited by the submitters: PubMed 9090526 (cited by 3 submitters).